The following is an entry in ClinVar:

NM_006445.4(PRPF8):c.5864A>G (p.Lys1955Arg)

Gene: PRPF8 (pre-mRNA processing factor 8; minus strand). Cytogenetic location: 17p13.3.
Variant type: single nucleotide variant.
Coding change: c.5864A>G on transcript NM_006445.4 (MANE Select); coding-DNA position 5864, A replaced by G.
Protein change: p.Lys1955Arg; replaces lysine 1955 with arginine.
Molecular consequence: missense variant.
Genome position (GRCh38, 1-based): chr17:1,655,473, T>C on the plus strand (A>G on the coding strand, the complement: PRPF8 is on the minus strand). VCF-style: chr17-1655473-T-C. GRCh37 (hg19) VCF-style: chr17-1558767-T-C.
Other names: short protein forms K1955R.
Identifiers: ClinVar variation 641364 (VCV000641364.1), dbSNP rs1597227679, ClinGen allele CA397569563.
Genomic context (GRCh38, chr17:1,655,473, plus strand): 5'-TCTTCGTCAGTCAGAGTGGGCCAGATGTGGTGTGGTTCTGTAATAGTAGTCTTGTCTGGC[T>C]TCAGGATCACTTTTGCCCGATCGTTGTTCACATGTAGGGCACGCAGAATCAGGATGAGAC-3'
Protein context (NP_006436.3, residues 1945-1965): VNNDRAKVIL[Lys1955Arg]PDKTTITEPH

ClinVar aggregate classification (germline): Uncertain significance (1 of 4 stars; one submission).

gnomAD v4.1: 1 of 1,614,098 alleles (0.000062%); no homozygotes.

Submission:

Labcorp Genetics (formerly Invitae), Labcorp
Classification: Uncertain significance. Last evaluated: 2018-12-13. Review status: criteria provided, single submitter. Criteria: Invitae Variant Classification Sherloc (09022015). Collection method: clinical testing. Allele origin: germline.
Comment: This sequence change replaces lysine with arginine at codon 1955 of the PRPF8 protein (p.Lys1955Arg). The lysine residue is highly conserved and there is a small physicochemical difference between lysine and arginine. This variant is not present in population databases (ExAC no frequency). This variant has not been reported in the literature in individuals with PRPF8-related conditions. Algorithms developed to predict the effect of missense changes on protein structure and function (SIFT, PolyPhen-2, Align-GVGD) all suggest that this variant is likely to be tolerated, but these predictions have not been confirmed by published functional studies and their clinical significance is uncertain. In summary, the available evidence is currently insufficient to determine the role of this variant in disease. Therefore, it has been classified as a Variant of Uncertain Significance.